The following is an entry in ClinVar:

ClinVar aggregate classification (germline): Conflicting classifications of pathogenicity. Review status: criteria provided, conflicting classifications (1 of 4 stars). 2 submissions from 1 submitter: Uncertain significance (1); Likely benign (1). Last evaluated 2018-01-13.

Conditions:
Autosomal recessive nonsyndromic hearing loss 37. Identifiers: Orphanet 90636, MedGen C1843028, MONDO:0011912, OMIM 607821.
Autosomal dominant nonsyndromic hearing loss 22. Also called: Autosomal dominant nonsyndromic deafness 22; DFNA 22. Identifiers: Orphanet 228012, MedGen C2931767, MONDO:0011660, OMIM 606346.

Allele frequency attached by ClinVar (database versions not stated): gnomAD 0.00029 and 0.00037; TOPMed 0.00037; 1000 Genomes Project 30x 0.00078; 1000 Genomes Project 0.00100.

Submissions (2):

Illumina Laboratory Services, Illumina
Classification: Likely benign for Autosomal dominant nonsyndromic hearing loss 22. Last evaluated: 2018-01-13. Review status: criteria provided, single submitter. Criteria: ICSL Variant Classification Criteria 13 December 2019. Collection method: clinical testing. Allele origin: germline.
Comment: This variant was observed in the ICSL laboratory as part of a predisposition screen in an ostensibly healthy population. It had not been previously curated by ICSL or reported in the Human Gene Mutation Database (HGMD: prior to June 1st, 2018), and was therefore a candidate for classification through an automated scoring system. Utilizing variant allele frequency, disease prevalence and penetrance estimates, and inheritance mode, an automated score was calculated to assess if this variant is too frequent to cause the disease. Based on the score and internal cut-off values, a variant classified as likely benign is not then subjected to further curation. The score for this variant resulted in a classification of likely benign for this disease.

Illumina Laboratory Services, Illumina
Classification: Uncertain significance for Autosomal recessive nonsyndromic hearing loss 37. Last evaluated: 2018-01-13. Review status: criteria provided, single submitter. Criteria: ICSL Variant Classification Criteria 13 December 2019. Collection method: clinical testing. Allele origin: germline.

NM_004999.4(MYO6):c.*4288G>A

Gene: MYO6 (myosin VI; plus strand). Cytogenetic location: 6q14.1.
Variant type: single nucleotide variant.
Coding change: c.*4288G>A on transcript NM_004999.4 (MANE Select); 4288 bases downstream of the stop codon, G replaced by A.
Molecular consequence: 3 prime UTR variant. On other transcripts: non-coding transcript variant (1).
Genome position (GRCh38, 1-based): chr6:75,919,300, G>A. VCF-style: chr6-75919300-G-A. GRCh37 (hg19) VCF-style: chr6-76629017-G-A.
Other names: c.*4288G>A (NM_001300899.2, NM_001368136.1, NM_001368137.1 and 3 more transcripts).
Identifiers: ClinVar variation 358059 (VCV000358059.5), dbSNP rs570588843, ClinGen allele CA10627675.